The following is an entry in ClinVar:

ClinVar aggregate classification (germline): Uncertain significance. Review status: criteria provided, multiple submitters, no conflicts (2 of 4 stars). 2 submissions from 2 submitters: Uncertain significance (2). Last evaluated 2022-06-11.

Allele frequency attached by ClinVar (database versions not stated): gnomAD exomes below 0.00001; gnomAD 0.00001; TOPMed 0.00001.

Submissions (2):

Labcorp Genetics (formerly Invitae), Labcorp
Classification: Uncertain significance. Last evaluated: 2022-06-11. Review status: criteria provided, single submitter. Criteria: Invitae Variant Classification Sherloc (09022015). Collection method: clinical testing. Allele origin: germline.
Comment: In summary, the available evidence is currently insufficient to determine the role of this variant in disease. Therefore, it has been classified as a Variant of Uncertain Significance. Algorithms developed to predict the effect of missense changes on protein structure and function are either unavailable or do not agree on the potential impact of this missense change (SIFT: "Deleterious"; PolyPhen-2: "Not Available"; Align-GVGD: "Class C65"). This variant has not been reported in the literature in individuals affected with PDZD7-related conditions. This variant is not present in population databases (gnomAD no frequency). This sequence change replaces methionine, which is neutral and non-polar, with threonine, which is neutral and polar, at codon 161 of the PDZD7 protein (p.Met161Thr).

Blueprint Genetics
Classification: Uncertain significance. Last evaluated: 2022-05-04. Review status: criteria provided, single submitter. Criteria: ACMG Guidelines, 2015. Collection method: clinical testing. Allele origin: germline.

NM_001195263.2(PDZD7):c.482T>C (p.Met161Thr)

Gene: PDZD7 (PDZ domain containing 7; minus strand). Cytogenetic location: 10q24.31.
Variant type: single nucleotide variant.
Coding change: c.482T>C on transcript NM_001195263.2 (MANE Select); coding-DNA position 482, T replaced by C.
Protein change: p.Met161Thr; replaces methionine 161 with threonine.
Molecular consequence: missense variant.
Genome position (GRCh38, 1-based): chr10:101,023,496, A>G on the plus strand (T>C on the coding strand, the complement: PDZD7 is on the minus strand). VCF-style: chr10-101023496-A-G. GRCh37 (hg19) VCF-style: chr10-102783253-A-G.
Other names: c.482T>C, p.Met161Thr (NM_001351044.2, NM_024895.5); short protein forms M161T.
Identifiers: ClinVar variation 1351320 (VCV001351320.7), dbSNP rs1473508737, ClinGen allele CA378230588.